The following is an entry in ClinVar:

NM_005051.3(QARS1):c.2081G>A (p.Arg694Gln)

Gene: QARS1 (glutaminyl-tRNA synthetase 1; minus strand). Cytogenetic location: 3p21.31.
Variant type: single nucleotide variant.
Coding change: c.2081G>A on transcript NM_005051.3 (MANE Select); coding-DNA position 2081, G replaced by A.
Protein change: p.Arg694Gln; replaces arginine 694 with glutamine.
Molecular consequence: missense variant. On other transcripts: non-coding transcript variant (1).
Genome position (GRCh38, 1-based): chr3:49,098,356, C>T on the plus strand (G>A on the coding strand, the complement: QARS1 is on the minus strand). VCF-style: chr3-49098356-C-T. GRCh37 (hg19) VCF-style: chr3-49135789-C-T.
Other names: c.2048G>A, p.Arg683Gln (NM_001272073.2); short protein forms R683Q, R694Q.
Identifiers: ClinVar variation 1380662 (VCV001380662.5), dbSNP rs772994973, ClinGen allele CA2391541.

ClinVar aggregate classification (germline): Uncertain significance (1 of 4 stars; one submission).

Conditions:
Diffuse cerebral and cerebellar atrophy - intractable seizures - progressive microcephaly syndrome. Also called: Microcephaly, progressive, with seizures and cerebral and cerebellar atrophy. Identifiers: Orphanet 404437, MedGen C4014239, MONDO:0014335, OMIM 615760.

Allele frequency attached by ClinVar (database versions not stated): ExAC 0.00001; TOPMed 0.00002.
gnomAD v4.1: 9 of 1,614,192 alleles (0.00056%); highest among the groups gnomAD compares: Middle Eastern, 0.016%; no homozygotes.

Submission:

Labcorp Genetics (formerly Invitae), Labcorp
Classification: Uncertain significance for Diffuse cerebral and cerebellar atrophy - intractable seizures - progressive microcephaly syndrome. Last evaluated: 2022-11-02. Review status: criteria provided, single submitter. Criteria: Invitae Variant Classification Sherloc (09022015). Collection method: clinical testing. Allele origin: germline.
Comment: This sequence change replaces arginine, which is basic and polar, with glutamine, which is neutral and polar, at codon 694 of the QARS protein (p.Arg694Gln). This variant is present in population databases (rs772994973, gnomAD 0.003%). This variant has not been reported in the literature in individuals affected with QARS-related conditions. ClinVar contains an entry for this variant (Variation ID: 1380662). Algorithms developed to predict the effect of missense changes on protein structure and function output the following: SIFT: "Tolerated"; PolyPhen-2: "Benign"; Align-GVGD: "Class C0". The glutamine amino acid residue is found in multiple mammalian species, which suggests that this missense change does not adversely affect protein function. In summary, the available evidence is currently insufficient to determine the role of this variant in disease. Therefore, it has been classified as a Variant of Uncertain Significance.